The following is an entry in ClinVar:

NM_144701.3(IL23R):c.272A>C (p.Asn91Thr)

Gene: IL23R (interleukin 23 receptor; plus strand). Cytogenetic location: 1p31.3.
Variant type: single nucleotide variant.
Coding change: c.272A>C on transcript NM_144701.3 (MANE Select); coding-DNA position 272, A replaced by C.
Protein change: p.Asn91Thr; replaces asparagine 91 with threonine.
Molecular consequence: missense variant.
Genome position (GRCh38, 1-based): chr1:67,169,543, A>C. VCF-style: chr1-67169543-A-C. GRCh37 (hg19) VCF-style: chr1-67635226-A-C.
Other names: short protein forms N91T.
Identifiers: ClinVar variation 2800081 (VCV002800081.3), dbSNP rs2525203454, ClinGen allele CA340732548.

ClinVar aggregate classification (germline): Uncertain significance (1 of 4 stars; one submission).

Submission:

Labcorp Genetics (formerly Invitae), Labcorp
Classification: Uncertain significance. Last evaluated: 2023-05-12. Review status: criteria provided, single submitter. Criteria: Invitae Variant Classification Sherloc (09022015). Collection method: clinical testing. Allele origin: germline.
Comment: In summary, the available evidence is currently insufficient to determine the role of this variant in disease. Therefore, it has been classified as a Variant of Uncertain Significance. An algorithm developed to predict the effect of missense changes on protein structure and function (PolyPhen-2) suggests that this variant is likely to be disruptive. This variant has not been reported in the literature in individuals affected with IL23R-related conditions. This variant is not present in population databases (gnomAD no frequency). This sequence change replaces asparagine, which is neutral and polar, with threonine, which is neutral and polar, at codon 91 of the IL23R protein (p.Asn91Thr).